The following is an entry in ClinVar:

ClinVar aggregate classification (germline): Conflicting classifications of pathogenicity. Review status: criteria provided, conflicting classifications (1 of 4 stars). 2 submissions from 2 submitters: Uncertain significance (1); Likely benign (1). Last evaluated 2026-02-01.

Conditions:
Candidiasis, familial, 9 (CANDF9). Identifiers: Orphanet 1334, MedGen C4225324, MONDO:0014642, OMIM 616445.

Allele frequency attached by ClinVar (database versions not stated): gnomAD 0.00003 and 0.00004; TOPMed 0.00003; gnomAD exomes 0.00004 and 0.00007; ExAC 0.00009.
gnomAD v4.1: 96 of 1,601,024 alleles (0.006%); highest among the groups gnomAD compares: Non-Finnish European, 0.008%; no homozygotes.

Submissions (2):

Labcorp Genetics (formerly Invitae), Labcorp
Classification: Uncertain significance for Candidiasis, familial, 9. Last evaluated: 2026-02-01. Review status: criteria provided, single submitter. Criteria: Invitae Variant Classification Sherloc (09022015). Collection method: clinical testing. Allele origin: germline.
Comment: This sequence change replaces glycine, which is neutral and non-polar, with glutamic acid, which is acidic and polar, at codon 786 of the IL17RC protein (p.Gly786Glu). This variant is present in population databases (rs752392891, gnomAD 0.009%). This variant has not been reported in the literature in individuals affected with IL17RC-related conditions. ClinVar contains an entry for this variant (Variation ID: 542529). Experimental studies and prediction algorithms are not available or were not evaluated, and the functional significance of this variant is currently unknown. In summary, the available evidence is currently insufficient to determine the role of this variant in disease. Therefore, it has been classified as a Variant of Uncertain Significance.

Ambry Genetics
Classification: Likely benign. Last evaluated: 2023-12-13. Review status: criteria provided, single submitter. Criteria: Ambry Variant Classification Scheme 2023. Collection method: clinical testing. Allele origin: germline.

NM_153460.4(IL17RC):c.2144G>A (p.Gly715Glu)

Genes: IL17RC (interleukin 17 receptor C; plus strand), LOC129936144 (ATAC-STARR-seq lymphoblastoid silent region 14051; plus strand). Cytogenetic location: 3p25.3.
Variant type: single nucleotide variant.
Coding change: c.2144G>A on transcript NM_153460.4 (MANE Select); coding-DNA position 2144, G replaced by A.
Protein change: p.Gly715Glu; replaces glycine 715 with glutamic acid.
Molecular consequence: missense variant. On other transcripts: non-coding transcript variant (1).
Genome position (GRCh38, 1-based): chr3:9,933,574, G>A. VCF-style: chr3-9933574-G-A. GRCh37 (hg19) VCF-style: chr3-9975258-G-A.
Other names: c.2105G>A, p.Gly702Glu (NM_001203263.2); c.2054G>A, p.Gly685Glu (NM_001203264.2); c.2048G>A, p.Gly683Glu (NM_001203265.2); c.2066G>A, p.Gly689Glu (NM_001367278.1); c.1985G>A, p.Gly662Glu (NM_001367279.1); c.2060G>A, p.Gly687Glu (NM_001367280.1); c.2099G>A, p.Gly700Glu (NM_032732.6); c.2357G>A, p.Gly786Glu (NM_153461.4); short protein forms G786E, G715E, G687E, G662E, G685E, G689E, G700E, G702E.
Identifiers: ClinVar variation 542529 (VCV000542529.9), dbSNP rs752392891, ClinGen allele CA2247511.
Genomic context (GRCh38, chr3:9,933,574, plus strand): 5'-ACTTCCATCCCCCGGGGACTCCCGCGCCGGGACGCGGGGTGGGACCAGGCGCGGGACCTG[G>A]GGCGGGGGACGGGACTTAAATAAAGGCAGACGCTGTTTTTCTACCCATGTGGCCCACACG-3'
Protein context (NP_703190.2, residues 705-720): GRGVGPGAGP[Gly715Glu]AGDGT